The following is an entry in ClinVar:

ClinVar aggregate classification (germline): Likely benign (0 of 4 stars; one submission).

Conditions:
ZPBP-related disorder. Also called: ZPBP-related condition.

Allele frequency attached by ClinVar (database versions not stated): ExAC 0.00097; ESP Exome Variant Server 0.00198; gnomAD 0.00291; TOPMed 0.00365; 1000 Genomes Project 30x 0.00375; 1000 Genomes Project 0.00399.
gnomAD v4.1: 837 of 1,540,786 alleles (0.054%); highest among the groups gnomAD compares: African/African-American, 1%; 4 homozygotes.

Submission:

PreventionGenetics, part of Exact Sciences
Classification: Likely benign for ZPBP-related condition. Last evaluated: 2019-04-11. Review status: no assertion criteria provided. Collection method: clinical testing. Allele origin: germline.
Comment: This variant is classified as likely benign based on ACMG/AMP sequence variant interpretation guidelines (Richards et al. 2015 PMID: 25741868, with internal and published modifications).

NM_007009.3(ZPBP):c.43C>T (p.Arg15Trp)

Gene: ZPBP (zona pellucida binding protein; minus strand). Cytogenetic location: 7p12.2.
Variant type: single nucleotide variant.
Coding change: c.43C>T on transcript NM_007009.3 (MANE Select); coding-DNA position 43, C replaced by T.
Protein change: p.Arg15Trp; replaces arginine 15 with tryptophan.
Molecular consequence: missense variant.
Genome position (GRCh38, 1-based): chr7:50,093,152, G>A on the plus strand (C>T on the coding strand, the complement: ZPBP is on the minus strand). VCF-style: chr7-50093152-G-A. GRCh37 (hg19) VCF-style: chr7-50132748-G-A.
Other names: c.43C>T, p.Arg15Trp (NM_001159878.2); short protein forms R15W.
Identifiers: ClinVar variation 3034289 (VCV003034289.2), dbSNP rs200431441, ClinGen allele CA4260992.